The following is an entry in ClinVar:

NM_000540.3(RYR1):c.6271C>A (p.Pro2091Thr)

Gene: RYR1 (ryanodine receptor 1; plus strand). Cytogenetic location: 19q13.2.
Variant type: single nucleotide variant.
Coding change: c.6271C>A on transcript NM_000540.3 (MANE Select); coding-DNA position 6271, C replaced by A.
Protein change: p.Pro2091Thr; replaces proline 2091 with threonine.
Molecular consequence: missense variant.
Genome position (GRCh38, 1-based): chr19:38,492,633, C>A. VCF-style: chr19-38492633-C-A. GRCh37 (hg19) VCF-style: chr19-38983273-C-A.
Other names: c.6271C>A, p.Pro2091Thr (NM_001042723.2); short protein forms P2091T.
Identifiers: ClinVar variation 640407 (VCV000640407.4), dbSNP rs1600794989, ClinGen allele CA405662682.

ClinVar aggregate classification (germline): Uncertain significance (1 of 4 stars; one submission).

Conditions:
RYR1-related disorder. Also called: RYR1-related disorders; RYR1-related condition. Identifiers: MedGen CN239331.

gnomAD v4.1: 9 of 1,609,880 alleles (0.00056%); highest among the groups gnomAD compares: Non-Finnish European, 0.00076%; no homozygotes.

Submission:

Labcorp Genetics (formerly Invitae), Labcorp
Classification: Uncertain significance for RYR1-related disorder. Last evaluated: 2022-01-14. Review status: criteria provided, single submitter. Criteria: Invitae Variant Classification Sherloc (09022015). Collection method: clinical testing. Allele origin: germline.
Comment: This sequence change replaces proline, which is neutral and non-polar, with threonine, which is neutral and polar, at codon 2091 of the RYR1 protein (p.Pro2091Thr). This variant is not present in population databases (gnomAD no frequency). This variant has not been reported in the literature in individuals affected with RYR1-related conditions. ClinVar contains an entry for this variant (Variation ID: 640407). Advanced modeling of protein sequence and biophysical properties (such as structural, functional, and spatial information, amino acid conservation, physicochemical variation, residue mobility, and thermodynamic stability) performed at Invitae indicates that this missense variant is not expected to disrupt RYR1 protein function. In summary, the available evidence is currently insufficient to determine the role of this variant in disease. Therefore, it has been classified as a Variant of Uncertain Significance.